The following is an entry in ClinVar:

GRCh37/hg19 1q31.1(chr1:187053276-188891105)x3

Variant type: copy number gain.
Change: copy number 3 (three copies instead of two) of chr1:187,053,276-188,891,105 (1.84 Mb, GRCh37 coordinates, 1-based), cytogenetic band 1q31.1.
Identifiers: ClinVar variation 4850965 (VCV004850965.1).

ClinVar aggregate classification (germline): Uncertain significance (1 of 4 stars; one submission).

Conditions:
Corpus callosum, agenesis of. Also called: Isolated corpus callosum agenesis; Corpus callosum agenesis; Mental retardation hypoplastic corpus callosum preauricular tag; Da silva syndrome; Agenesis of the corpus callosum. Identifiers: Orphanet 200, MedGen C0175754, MONDO:0009022, OMIM 217990, HP:0001274.

Submission:

Laboratory of Cytogenetics, Molecular Genetics and Reproductive Biology, Farhat Hached University Hospital
Classification: Uncertain significance for corpus callosum agenesis. Last evaluated: 2025-12-12. Review status: criteria provided, single submitter. Criteria: ACMG/ClinGen CNV Guidelines, 2019. Collection method: clinical testing. Allele origin: unknown. Affected: yes.
Comment: Current evidence is insufficient to determine its clinical significance; therefore, the variant was classified as a Variant of Uncertain Significance (VUS). The copy number variant was evaluated using ACMG/ClinGen CNV guidelines (PMID:31690835)